The following is an entry in ClinVar:

NM_181458.4(PAX3):c.590C>G (p.Ser197Ter)

Gene: PAX3 (paired box 3; minus strand). Cytogenetic location: 2q36.1.
Variant type: single nucleotide variant.
Coding change: c.590C>G on transcript NM_181458.4 (MANE Select); coding-DNA position 590, C replaced by G.
Protein change: p.Ser197Ter; replaces serine 197 with a stop codon.
Molecular consequence: nonsense.
Genome position (GRCh38, 1-based): chr2:222,232,280, G>C on the plus strand (C>G on the coding strand, the complement: PAX3 is on the minus strand). VCF-style: chr2-222232280-G-C. GRCh37 (hg19) VCF-style: chr2-223096999-G-C.
Other names: c.587C>G, p.Ser196Ter (NM_001127366.3); c.590C>G, p.Ser197Ter (NM_181457.4, NM_181459.4, NM_181460.4 and 1 more transcripts); short protein forms S197*, S196*.
Identifiers: ClinVar variation 3641786 (VCV003641786.2).

ClinVar aggregate classification (germline): Pathogenic (1 of 4 stars; one submission).

Submission:

Labcorp Genetics (formerly Invitae), Labcorp
Classification: Pathogenic. Last evaluated: 2024-02-17. Review status: criteria provided, single submitter. Criteria: Invitae Variant Classification Sherloc (09022015). Collection method: clinical testing. Allele origin: germline.
Comment: This sequence change creates a premature translational stop signal (p.Ser197*) in the PAX3 gene. It is expected to result in an absent or disrupted protein product. Loss-of-function variants in PAX3 are known to be pathogenic (PMID: 20127975, 23512835). This variant is not present in population databases (gnomAD no frequency). This variant has not been reported in the literature in individuals affected with PAX3-related conditions. For these reasons, this variant has been classified as Pathogenic.

Literature cited by the submitters: PubMed 20127975; PubMed 23512835.